The following is an entry in ClinVar:

NM_006939.4(SOS2):c.1094A>G (p.Gln365Arg)

Gene: SOS2 (SOS Ras/Rho guanine nucleotide exchange factor 2; minus strand). Cytogenetic location: 14q21.3.
Variant type: single nucleotide variant.
Coding change: c.1094A>G on transcript NM_006939.4 (MANE Select); coding-DNA position 1094, A replaced by G.
Protein change: p.Gln365Arg; replaces glutamine 365 with arginine.
Molecular consequence: missense variant.
Genome position (GRCh38, 1-based): chr14:50,161,584, T>C on the plus strand (A>G on the coding strand, the complement: SOS2 is on the minus strand). VCF-style: chr14-50161584-T-C. GRCh37 (hg19) VCF-style: chr14-50628302-T-C.
Other names: c.995A>G, p.Gln332Arg (NM_001411020.1); short protein forms Q332R, Q365R.
Identifiers: ClinVar variation 4614984 (VCV004614984.2).

ClinVar aggregate classification (germline): Uncertain significance. Review status: criteria provided, multiple submitters, no conflicts (2 of 4 stars). 2 submissions from 2 submitters: Uncertain significance (2). Last evaluated 2025-09-17.

Conditions:
Cardiovascular phenotype. Identifiers: MedGen CN230736.
Noonan syndrome 9 (NS9). Identifiers: Orphanet 648, MedGen C4225282, MONDO:0014691, OMIM 616559.

Submissions (2):

Ambry Genetics
Classification: Uncertain significance for Cardiovascular phenotype. Last evaluated: 2025-09-17. Review status: criteria provided, single submitter. Criteria: Ambry Variant Classification Scheme 2023. Collection method: clinical testing. Allele origin: germline.
Comment: The p.Q365R variant (also known as c.1094A>G), located in coding exon 9 of the SOS2 gene, results from an A to G substitution at nucleotide position 1094. The glutamine at codon 365 is replaced by arginine, an amino acid with highly similar properties. This amino acid position is conserved. In addition, the in silico prediction for this alteration is inconclusive. Based on the available evidence, the clinical significance of this variant remains unclear.

Labcorp Genetics (formerly Invitae), Labcorp
Classification: Uncertain significance for Noonan syndrome 9. Last evaluated: 2025-06-27. Review status: criteria provided, single submitter. Criteria: Invitae Variant Classification Sherloc (09022015). Collection method: clinical testing. Allele origin: germline.
Comment: This sequence change replaces glutamine, which is neutral and polar, with arginine, which is basic and polar, at codon 365 of the SOS2 protein (p.Gln365Arg). This variant is not present in population databases (gnomAD no frequency). This variant has not been reported in the literature in individuals affected with SOS2-related conditions. Invitae Evidence Modeling of protein sequence and biophysical properties (such as structural, functional, and spatial information, amino acid conservation, physicochemical variation, residue mobility, and thermodynamic stability) indicates that this missense variant is not expected to disrupt SOS2 protein function with a negative predictive value of 95%. In summary, the available evidence is currently insufficient to determine the role of this variant in disease. Therefore, it has been classified as a Variant of Uncertain Significance.